The following is an entry in ClinVar:

NM_013275.6(ANKRD11):c.1834del (p.Leu612fs)

Gene: ANKRD11 (ankyrin repeat domain 11; minus strand). Cytogenetic location: 16q24.3.
Variant type: Deletion.
Coding change: c.1834del on transcript NM_013275.6 (MANE Select); coding-DNA position 1834, one base deleted (C; older notation c.1834delC).
Protein change: p.Leu612fs; shifts the reading frame from leucine 612.
Molecular consequence: frameshift variant.
Genome position (GRCh38, 1-based): chr16:89,284,708, G deleted on the plus strand (C on the coding strand, the reverse complement: ANKRD11 is on the minus strand); the first of 2 consecutive G bases (chr16:89,284,708-89,284,709); deleting either gives the same sequence. VCF-style (leftmost placement, unchanged base first): chr16-89284707-AG-A. GRCh37 (hg19) VCF-style: chr16-89351115-AG-A.
Other names: c.1834del, p.Leu612fs (NM_001256182.2, NM_001256183.2); short protein forms L612fs.
Identifiers: ClinVar variation 3897638 (VCV003897638.1).
Genomic context (GRCh38, chr16:89,284,707, plus strand): 5'-TGTTTTTTGACAACTTTCCCCTCCTTGTCCAGTTTGGGGACAGCGCCCTCCGCGCTGGAC[AG>A]GAAGGGGCTCTTCTTCTCCGACAGGGAGGCTCGCTTCCTGTGCTCCTGCCTCTTCCTCAC-3'

ClinVar aggregate classification (germline): Pathogenic (1 of 4 stars; one submission).

Conditions:
KBG syndrome (KBGS). Also called: ANKRD11-Related KBG Syndrome. Identifiers: Orphanet 2332, MedGen C0220687, MONDO:0007846, OMIM 148050.

Submission:

Genetics Laboratory, UDIAT-Centre Diagnòstic, Hospital Universitari Parc Tauli
Classification: Pathogenic for KBG syndrome. Last evaluated: 2024-02-19. Review status: criteria provided, single submitter. Criteria: ACMG Guidelines, 2015. Collection method: clinical testing. Allele origin: unknown. Inheritance: Autosomal dominant inheritance. Affected: yes.
Comment: PVS1_very strong;PM2_supporting;PM6_moderate